The following is an entry in ClinVar:

NM_001009944.3(PKD1):c.10287T>C (p.Ile3429=)

Gene: PKD1 (polycystin 1, transient receptor potential channel interacting; minus strand). Cytogenetic location: 16p13.3.
Variant type: single nucleotide variant.
Coding change: c.10287T>C on transcript NM_001009944.3 (MANE Select); coding-DNA position 10287, T replaced by C.
Protein change: p.Ile3429=; no amino-acid change (isoleucine 3429 retained).
Molecular consequence: synonymous variant.
Genome position (GRCh38, 1-based): chr16:2,097,437, A>G on the plus strand (T>C on the coding strand, the complement: PKD1 is on the minus strand). VCF-style: chr16-2097437-A-G. GRCh37 (hg19) VCF-style: chr16-2147438-A-G.
Other names: c.10284T>C, p.Ile3428= (NM_000296.4).
Identifiers: ClinVar variation 3061381 (VCV003061381.2), dbSNP rs2544688553, ClinGen allele CA493045333.

ClinVar aggregate classification (germline): Likely benign (0 of 4 stars; one submission).

Conditions:
PKD1-related disorder. Also called: PKD1-related condition.

Allele frequency attached by ClinVar (database versions not stated): gnomAD exomes below 0.00001.

Submission:

PreventionGenetics, part of Exact Sciences
Classification: Likely benign for PKD1-related condition. Last evaluated: 2024-02-21. Review status: no assertion criteria provided. Collection method: clinical testing. Allele origin: germline.
Comment: This variant is classified as likely benign based on ACMG/AMP sequence variant interpretation guidelines (Richards et al. 2015 PMID: 25741868, with internal and published modifications).